The following is an entry in ClinVar:

NM_004991.4(MECOM):c.909G>T (p.Lys303Asn)

Gene: MECOM (MDS1 and EVI1 complex locus; minus strand). Cytogenetic location: 3q26.2.
Variant type: single nucleotide variant.
Coding change: c.909G>T on transcript NM_004991.4 (MANE Select); coding-DNA position 909, G replaced by T.
Protein change: p.Lys303Asn; replaces lysine 303 with asparagine.
Molecular consequence: missense variant.
Genome position (GRCh38, 1-based): chr3:169,122,649, C>A on the plus strand (G>T on the coding strand, the complement: MECOM is on the minus strand). VCF-style: chr3-169122649-C-A. GRCh37 (hg19) VCF-style: chr3-168840437-C-A.
Other names: c.537G>T, p.Lys179Asn (NM_001105077.4); c.345G>T, p.Lys115Asn (NM_001105078.4, NM_001163999.2, NM_001164000.2 and 9 more transcripts); c.909G>T, p.Lys303Asn (NM_001366466.2, NM_001366473.2); short protein forms K179N, K115N, K303N.
Identifiers: ClinVar variation 4053076 (VCV004053076.1).

ClinVar aggregate classification (germline): Uncertain significance (1 of 4 stars; one submission).

Conditions:
Inborn genetic diseases. Identifiers: MedGen C0950123, MeSH D030342.

Submission:

Ambry Genetics
Classification: Uncertain significance for Inborn genetic diseases. Last evaluated: 2025-03-18. Review status: criteria provided, single submitter. Criteria: Ambry Variant Classification Scheme 2023. Collection method: clinical testing. Allele origin: germline.
Comment: The p.K303N variant (also known as c.909G>T), located in coding exon 6 of the MECOM gene, results from a G to T substitution at nucleotide position 909. The lysine at codon 303 is replaced by asparagine, an amino acid with similar properties. This amino acid position is conserved. In addition, this alteration is predicted to be tolerated by in silico analysis. Based on the available evidence, the clinical significance of this variant remains unclear.